The following is an entry in ClinVar:

ClinVar aggregate classification (germline): Uncertain significance (1 of 4 stars; one submission).

Conditions:
Macrocephaly, acquired, with impaired intellectual development. Also called: MACROCEPHALY, ACQUIRED, WITH MENTAL RETARDATION. Identifiers: MedGen C4748993, MONDO:0032658, OMIM 618286.

Submission:

3billion
Classification: Uncertain significance for Macrocephaly, acquired, with impaired intellectual development. Last evaluated: 2025-12-23. Review status: criteria provided, single submitter. Criteria: ACMG Guidelines, 2015. Collection method: clinical testing. Allele origin: germline. Affected: yes.
Comment: The variant is not observed in the gnomAD v4.1.0 dataset. Predicted Consequence/Location: Missense variant In silico tool predictions suggest damaging effect of the variant on gene or gene product [REVEL: 0.79 (>=0.6, sensitivity 0.68 and specificity 0.92); 3Cnet: 0.99 (> 0.75, sensitivity 0.96 and precision 0.92)]. Therefore, this variant is classified as VUS according to the recommendation of ACMG/AMP guideline.

NM_001190737.2(NFIB):c.62T>C (p.Leu21Pro)

Gene: NFIB (nuclear factor I B; minus strand). Cytogenetic location: 9p22.3.
Variant type: single nucleotide variant.
Coding change: c.62T>C on transcript NM_001190737.2 (MANE Select); coding-DNA position 62, T replaced by C.
Protein change: p.Leu21Pro; replaces leucine 21 with proline.
Molecular consequence: missense variant. On other transcripts: 5 prime UTR variant (1).
Genome position (GRCh38, 1-based): chr9:14,307,489, A>G on the plus strand (T>C on the coding strand, the complement: NFIB is on the minus strand). VCF-style: chr9-14307489-A-G. GRCh37 (hg19) VCF-style: chr9-14307488-A-G.
Other names: c.140T>C, p.Leu47Pro (NM_001190738.2); c.128T>C, p.Leu43Pro (NM_001369458.1, NM_001369459.1, NM_001369462.1 and 1 more transcripts); c.50T>C, p.Leu17Pro (NM_001369460.1, NM_001369463.1, NM_001369466.1 and 4 more transcripts); c.62T>C, p.Leu21Pro (NM_001369461.1, NM_001369464.1, NM_001369471.1 and 5 more transcripts); c.35T>C, p.Leu12Pro (NM_001369465.1, NM_001369467.1, NM_001369476.1); c.-83T>C (NM_001369469.1); c.47T>C, p.Leu16Pro (NM_001369474.1); short protein forms L12P, L16P, L17P, L21P, L43P, L47P.
Identifiers: ClinVar variation 4856230 (VCV004856230.1).
Genomic context (GRCh38, chr9:14,307,489, plus strand): 5'-TACTTGCGTTTTCGAGCCTGCAGGTTGAACCAAGTATAGGCAATTGCACGGACATGTGGA[A>G]GAAGTGCCTCGATGAATGGGTGAAATTCATCCTGTGGAAGACAGAGGGGTGAGGAAAAGA-3'
Protein context (NP_001177666.1, residues 11-31): DEFHPFIEAL[Leu21Pro]PHVRAIAYTW